The following is an entry in ClinVar:

ClinVar aggregate classification (germline): Likely benign (1 of 4 stars; one submission).

Submission:

GeneDx
Classification: Likely benign. Last evaluated: 2018-04-17. Review status: criteria provided, single submitter. Criteria: GeneDx Variant Classification (06012015). Collection method: clinical testing. Allele origin: germline. Affected: yes.
Comment: This variant is considered likely benign or benign based on one or more of the following criteria: it is a conservative change, it occurs at a poorly conserved position in the protein, it is predicted to be benign by multiple in silico algorithms, and/or has population frequency not consistent with disease.

NM_181303.2(NLGN3):c.2142G>A (p.Val714=)

Gene: NLGN3 (neuroligin 3; plus strand). Cytogenetic location: Xq13.1.
Variant type: single nucleotide variant.
Coding change: c.2142G>A on transcript NM_181303.2 (MANE Select); coding-DNA position 2142, G replaced by A.
Protein change: p.Val714=; no amino-acid change (valine 714 retained).
Molecular consequence: synonymous variant.
Genome position (GRCh38, 1-based): chrX:71,169,692, G>A. VCF-style: chrX-71169692-G-A. GRCh37 (hg19) VCF-style: chrX-70389542-G-A.
Other names: c.2022G>A, p.Val674= (NM_001166660.2); c.1731G>A, p.Val577= (NM_001321276.2); c.2082G>A, p.Val694= (NM_018977.4).
Identifiers: ClinVar variation 681576 (VCV000681576.1), dbSNP rs1602332319, ClinGen allele CA516820791.